The following is an entry in ClinVar:

ClinVar aggregate classification (germline): Pathogenic (1 of 4 stars; one submission).

Submission:

Quest Diagnostics Nichols Institute San Juan Capistrano
Classification: Pathogenic. Last evaluated: 2021-11-18. Review status: criteria provided, single submitter. Criteria: ACMG/ClinGen CNV Guidelines, 2019. Collection method: clinical testing. Allele origin: unknown.
Comment: The copy number loss of 16p13.2 involves exon 4 of GRIN2A (OMIM 138253, NM_000833.5) and is expected to cause phenotypic and/or developmental abnormalities. Although haploinsufficiency has not been established for this gene, heterozygous loss-of-function variants, whole/partial gene deletions, and disrupting translocations have been reported in numerous individuals with autosomal dominant focal epilepsy and speech disorder (FESD) with or without intellectual disability (OMIM 613971) (Lesca 2013, Lemke 2013, DeVries 2013, Endele 2010, Reutlinger 2010). At least two affected individuals have been reported with a similar hemizygous deletion involving exon 4 (Strehlow 2019, Lindy 2018). Of note, heterozygous missense variants resulting in gain-of-function have also been associated with epilepsy (Liu 2021). Incomplete penetrance has been reported and there can be intra-familial variability associated with same GRIN2A pathogenic variant (Lesca 2013, Lemke 2013, Carvill 2013). There is a similar copy number loss of this region in the general populations of the Database of Genomic Variants. Thus, based on the current clinical literature, this copy number variant (CNV) is interpreted as pathogenic. References: Carvill et al., Nat Genet. 2013 Sep;45(9):1073-6. PMID: 23933818. DeVries et al., Pediatr Neurol. 2013 Dec;49(6):482-5. PMID: 24125812. Endele et al., Nat Genet. 2010 Nov;42(11):1021-6. PMID: 20890276. Lemke et al., Nat Genet. 2013 Sep;45(9):1067-72. PMID: 23933819. Lesca et al., Nat Genet. 2013 Sep;45(9):1061-6. PMID: 23933820. Lindy et al., Epilepsia. 2018 May;59(5):1062-1071. PMID: 29655203. Liu et al., Front Mol Neurosci. 2021 Oct 14;14:720984. PMID: 34720871. Reutlinger et al., Epilepsia. 2010 Sep;51(9):1870-3. PMID: 20384727. Strehlow et al., Brain. 2019 Jan 1;142(1):80-92. PMID: 30544257.

GRCh37/hg19 16p13.2(chr16:10008022-10130991)x1

Gene: GRIN2A (glutamate ionotropic receptor NMDA type subunit 2A; minus strand). Cytogenetic location: 16p13.2.
Variant type: copy number loss.
Change: copy number 1 (one copy instead of two) of chr16:10,008,022-10,130,991 (123.0 kb, GRCh37 coordinates, 1-based), cytogenetic band 16p13.2.
Identifiers: ClinVar variation 1809421 (VCV001809421.1).